The following is an entry in ClinVar:

NM_005097.4(LGI1):c.611dup (p.Glu205fs)

Gene: LGI1 (leucine rich glioma inactivated 1; plus strand). Cytogenetic location: 10q23.33.
Variant type: Duplication.
Coding change: c.611dup on transcript NM_005097.4 (MANE Select); coding-DNA position 611, one base duplicated (C; older notation c.611dupC).
Protein change: p.Glu205fs; shifts the reading frame from glutamic acid 205.
Molecular consequence: frameshift variant. On other transcripts: non-coding transcript variant (1).
Genome position (GRCh38, 1-based): chr10:93,792,850, C duplicated; the last of 6 consecutive C bases (chr10:93,792,845-93,792,850); duplicating any one gives the same sequence. VCF-style (leftmost placement, unchanged base first): chr10-93792844-G-GC. GRCh37 (hg19) VCF-style: chr10-95552601-G-GC.
Other names: c.611dup, p.Glu205fs (NM_001308275.2); c.467dup, p.Glu157fs (NM_001308276.2); short protein forms E157fs, E205fs.
Identifiers: ClinVar variation 1342752 (VCV001342752.2), dbSNP rs2134020917, ClinGen allele CA470799863.

ClinVar aggregate classification (germline): Likely pathogenic (1 of 4 stars; one submission).

Submission:

GeneDx
Classification: Likely pathogenic. Last evaluated: 2022-02-11. Review status: criteria provided, single submitter. Criteria: GeneDx Variant Classification Process June 2021. Collection method: clinical testing. Allele origin: germline. Affected: yes.
Comment: Frameshift variant predicted to result in protein truncation or nonsense mediated decay in a gene for which loss-of-function is a known mechanism of disease; Not observed at significant frequency in large population cohorts (gnomAD); Has not been previously published as pathogenic or benign to our knowledge; This variant is associated with the following publications: (PMID: 28102150)